The following is an entry in ClinVar:

ClinVar aggregate classification (germline): Uncertain significance. Review status: criteria provided, multiple submitters, no conflicts (2 of 4 stars). 2 submissions from 2 submitters: Uncertain significance (2). Last evaluated 2025-11-05.

Conditions:
Inborn genetic diseases. Identifiers: MedGen C0950123, MeSH D030342.
Spastic paraplegia. Identifiers: MedGen C0037772, HP:0001258.

Allele frequency attached by ClinVar (database versions not stated): TOPMed below 0.00001; gnomAD exomes 0.00002; ExAC below 0.00001.

Submissions (2):

Ambry Genetics
Classification: Uncertain significance for Inborn genetic diseases. Last evaluated: 2025-11-05. Review status: criteria provided, single submitter. Criteria: Ambry Variant Classification Scheme 2023. Collection method: clinical testing. Allele origin: germline.

Labcorp Genetics (formerly Invitae), Labcorp
Classification: Uncertain significance for Spastic paraplegia. Last evaluated: 2024-12-02. Review status: criteria provided, single submitter. Criteria: Invitae Variant Classification Sherloc (09022015). Collection method: clinical testing. Allele origin: germline.
Comment: This sequence change replaces threonine, which is neutral and polar, with methionine, which is neutral and non-polar, at codon 159 of the GJC2 protein (p.Thr159Met). The frequency data for this variant in the population databases is considered unreliable, as metrics indicate poor data quality at this position in the gnomAD database. This variant has not been reported in the literature in individuals affected with GJC2-related conditions. ClinVar contains an entry for this variant (Variation ID: 938053). Invitae Evidence Modeling of protein sequence and biophysical properties (such as structural, functional, and spatial information, amino acid conservation, physicochemical variation, residue mobility, and thermodynamic stability) indicates that this missense variant is not expected to disrupt GJC2 protein function with a negative predictive value of 95%. In summary, the available evidence is currently insufficient to determine the role of this variant in disease. Therefore, it has been classified as a Variant of Uncertain Significance.

NM_020435.4(GJC2):c.476C>T (p.Thr159Met)

Gene: GJC2 (gap junction protein gamma 2; plus strand). Cytogenetic location: 1q42.13.
Variant type: single nucleotide variant.
Coding change: c.476C>T on transcript NM_020435.4 (MANE Select); coding-DNA position 476, C replaced by T.
Protein change: p.Thr159Met; replaces threonine 159 with methionine.
Molecular consequence: missense variant.
Genome position (GRCh38, 1-based): chr1:228,158,234, C>T. VCF-style: chr1-228158234-C-T. GRCh37 (hg19) VCF-style: chr1-228345935-C-T.
Other names: short protein forms T159M.
Identifiers: ClinVar variation 938053 (VCV000938053.7), dbSNP rs756868228, ClinGen allele CA1430860.